The following is an entry in ClinVar:

NM_001199107.2(TBC1D24):c.1475C>T (p.Ser492Phe)

Gene: TBC1D24 (TBC1 domain family member 24; plus strand). Cytogenetic location: 16p13.3.
Variant type: single nucleotide variant.
Coding change: c.1475C>T on transcript NM_001199107.2 (MANE Select); coding-DNA position 1475, C replaced by T.
Protein change: p.Ser492Phe; replaces serine 492 with phenylalanine.
Molecular consequence: missense variant.
Genome position (GRCh38, 1-based): chr16:2,500,440, C>T. VCF-style: chr16-2500440-C-T. GRCh37 (hg19) VCF-style: chr16-2550441-C-T.
Other names: c.1457C>T, p.Ser486Phe (NM_020705.3); short protein forms S492F, S486F.
Identifiers: ClinVar variation 505527 (VCV000505527.9), dbSNP rs1249590916, ClinGen allele CA394381152.
Genomic context (GRCh38, chr16:2,500,440, plus strand): 5'-CCTCAGACCCCGCTGACCGCCTCTCGCCCTTCCTGGCCGCTCGCCACTTCAACCTGCCCT[C>T]CAAGACCGAGTCCATGTTCATGGCGGGGGGCAGCGACTGCCTCATCGTCGGTGAGCGCCA-3'
Protein context (NP_001186036.1, residues 482-502): FLAARHFNLP[Ser492Phe]KTESMFMAGG

ClinVar aggregate classification (germline): Uncertain significance. Review status: criteria provided, multiple submitters, no conflicts (2 of 4 stars). 3 submissions from 3 submitters: Uncertain significance (3). Last evaluated 2025-08-29.

Conditions:
Developmental and epileptic encephalopathy, 1 (DEE1). Also called: X-linked infantile spasms; West's syndrome; Tonic spasms with clustering, arrest of psychomotor development and hypsarrhythmia on EEG; X-Linked Infantile Spasm Syndrome; OHTAHARA SYNDROME, X-LINKED; Epileptic encephalopathy, early infantile, 1. Identifiers: MedGen C3463992, MONDO:0010632, OMIM 308350. Disease mechanism: loss of function.
Autosomal dominant nonsyndromic hearing loss 65. Also called: Deafness, autosomal dominant 65; TBC1D24-Related Autosomal Dominant Nonsyndromic Hearing Loss (DFNA). Identifiers: Orphanet 90635, MedGen C3892048, MONDO:0014470, OMIM 616044.
Inborn genetic diseases. Identifiers: MedGen C0950123, MeSH D030342.

Allele frequency attached by ClinVar (database versions not stated): TOPMed 0.00001; gnomAD 0.00002; gnomAD exomes below 0.00001.

Submissions (3):

Labcorp Genetics (formerly Invitae), Labcorp
Classification: Uncertain significance for Developmental and epileptic encephalopathy, 1; Autosomal dominant nonsyndromic hearing loss 65. Last evaluated: 2025-08-29. Review status: criteria provided, single submitter. Criteria: Invitae Variant Classification Sherloc (09022015). Collection method: clinical testing. Allele origin: germline.
Comment: This sequence change replaces serine, which is neutral and polar, with phenylalanine, which is neutral and non-polar, at codon 492 of the TBC1D24 protein (p.Ser492Phe). This variant is not present in population databases (gnomAD no frequency). This variant has not been reported in the literature in individuals affected with TBC1D24-related conditions. ClinVar contains an entry for this variant (Variation ID: 505527). Invitae Evidence Modeling of protein sequence and biophysical properties (such as structural, functional, and spatial information, amino acid conservation, physicochemical variation, residue mobility, and thermodynamic stability) has been performed for this missense variant. However, the output from this modeling did not meet the statistical confidence thresholds required to predict the impact of this variant on TBC1D24 protein function. In summary, the available evidence is currently insufficient to determine the role of this variant in disease. Therefore, it has been classified as a Variant of Uncertain Significance.

Ambry Genetics
Classification: Uncertain significance for Inborn genetic diseases. Last evaluated: 2024-04-22. Review status: criteria provided, single submitter. Criteria: Ambry Variant Classification Scheme 2023. Collection method: clinical testing. Allele origin: germline.

Laboratory for Molecular Medicine, Mass General Brigham Personalized Medicine
Classification: Uncertain significance. Last evaluated: 2017-03-20. Review status: criteria provided, single submitter. Criteria: LMM Criteria. Collection method: clinical testing. Allele origin: germline. Observed: 2 variant alleles.
Comment: Data from large population studies are in sufficient to assess the frequency of this variant in the general population. C omputational prediction tools and conservation analyses do not provide strong su pport for or against an impact to the protein. In summary, the clinical signific ance of the p.Ser492Phe variant is uncertain.